The following is an entry in ClinVar:

ClinVar aggregate classification (germline): Uncertain significance (1 of 4 stars; one submission).

Submission:

Ambry Genetics
Classification: Uncertain significance. Last evaluated: 2022-01-10. Review status: criteria provided, single submitter. Criteria: Ambry Variant Classification Scheme 2023. Collection method: clinical testing. Allele origin: germline.
Comment: The p.E206G variant (also known as c.617A>G), located in coding exon 3 of the GALNT12 gene, results from an A to G substitution at nucleotide position 617. The glutamic acid at codon 206 is replaced by glycine, an amino acid with similar properties. This amino acid position is conserved. In addition, this alteration is predicted to be deleterious by in silico analysis. Since supporting evidence is limited at this time, the clinical significance of this alteration remains unclear.

NM_024642.5(GALNT12):c.617A>G (p.Glu206Gly)

Gene: GALNT12 (polypeptide N-acetylgalactosaminyltransferase 12; plus strand). Cytogenetic location: 9q22.33.
Variant type: single nucleotide variant.
Coding change: c.617A>G on transcript NM_024642.5 (MANE Select); coding-DNA position 617, A replaced by G.
Protein change: p.Glu206Gly; replaces glutamic acid 206 with glycine.
Molecular consequence: missense variant.
Genome position (GRCh38, 1-based): chr9:98,826,827, A>G. VCF-style: chr9-98826827-A-G. GRCh37 (hg19) VCF-style: chr9-101589109-A-G.
Other names: short protein forms E206G.
Identifiers: ClinVar variation 1752040 (VCV001752040.2), dbSNP rs2118377152, ClinGen allele CA374217530.
Genomic context (GRCh38, chr9:98,826,827, plus strand): 5'-GCTTGGCCAATGAGCTTTCGGGACTGCCCAAGGTGCGCCTGATCCGCGCCAACAAGAGAG[A>G]GGGCCTGGTGCGAGCCCGGCTGCTGGGGGCGTCTGCGGCGAGGGGCGATGTTCTGACCTT-3'
Protein context (NP_078918.3, residues 196-216): KVRLIRANKR[Glu206Gly]GLVRARLLGA